The following is an entry in ClinVar:

NM_018082.6(POLR3B):c.979A>G (p.Asn327Asp)

Gene: POLR3B (RNA polymerase III subunit B; plus strand). Cytogenetic location: 12q23.3.
Variant type: single nucleotide variant.
Coding change: c.979A>G on transcript NM_018082.6 (MANE Select); coding-DNA position 979, A replaced by G.
Protein change: p.Asn327Asp; replaces asparagine 327 with aspartic acid.
Molecular consequence: missense variant.
Genome position (GRCh38, 1-based): chr12:106,410,838, A>G. VCF-style: chr12-106410838-A-G. GRCh37 (hg19) VCF-style: chr12-106804616-A-G.
Other names: c.805A>G, p.Asn269Asp (NM_001160708.2); short protein forms N269D, N327D.
Identifiers: ClinVar variation 3368617 (VCV003368617.1).
Genomic context (GRCh38, chr12:106,410,838, plus strand): 5'-TTTTAATGTCCATTTTCTCAAAATTTTTCTCCAATTTCTGACTTACAGGTTAAGGAATTC[A>G]ATTTCCGAGCCAAATGTATCTATACTGCAGTGATGGTGCGAAGAGTTATTCTGGCCCAAG-3'
Protein context (NP_060552.4, residues 317-337): ILTHVPVKEF[Asn327Asp]FRAKCIYTAV

ClinVar aggregate classification (germline): Uncertain significance (1 of 4 stars; one submission).

Submission:

GeneDx
Classification: Uncertain significance. Last evaluated: 2024-01-30. Review status: criteria provided, single submitter. Criteria: GeneDx Variant Classification Process June 2021. Collection method: clinical testing. Allele origin: germline. Affected: yes.
Comment: Not observed at significant frequency in large population cohorts (gnomAD); In silico analysis supports that this missense variant has a deleterious effect on protein structure/function; Has not been previously published as pathogenic or benign to our knowledge